The following is an entry in ClinVar:

ClinVar aggregate classification (germline): Conflicting classifications of pathogenicity. Review status: criteria provided, conflicting classifications (1 of 4 stars). 5 submissions from 3 submitters: Uncertain significance (3); Likely benign (1). 1 of the submissions does not count toward it. Last evaluated 2025-12-29.

Conditions:
Thrombophilia due to thrombin defect (THPH1). Also called: Prothrombin Thrombophilia; Thrombosis susceptibility; THROMBOPHILIA DUE TO FACTOR 2 DEFECT; Prothrombin-Related Thrombophilia (Factor II). Identifiers: MedGen C3160733, MONDO:0008559, OMIM 188050. Disease mechanism: gain of function, loss of function.
Congenital factor V deficiency. Also called: Hereditary factor V deficiency disease; LABILE FACTOR DEFICIENCY; OWREN PARAHEMOPHILIA; PARAHEMOPHILIA. Identifiers: Orphanet 326, MedGen C0015499, MONDO:0009210, OMIM 227400.
Budd-Chiari syndrome (BDCHS). Also called: Hepatic vein obstruction. Identifiers: Orphanet 131, MedGen C0856761, MONDO:0010947, OMIM 600880, HP:0002639.
Factor V deficiency. Also called: Reduced coagulation factor V activity. Identifiers: Orphanet 326, MedGen C4317320, MONDO:0020586, HP:0003225.
F5-related disorder. Also called: F5-related condition.

Allele frequency attached by ClinVar (database versions not stated): TOPMed 0.00012; gnomAD 0.00016 and 0.00021; ExAC 0.00024; gnomAD exomes 0.00024; ESP Exome Variant Server 0.00031; 1000 Genomes Project 30x 0.00062; 1000 Genomes Project 0.00080.
gnomAD v4.1: 364 of 1,613,766 alleles (0.023%); highest among the groups gnomAD compares: East Asian, 0.11%; no homozygotes.

Submissions (5):

Labcorp Genetics (formerly Invitae), Labcorp
Classification: Likely benign for Congenital factor V deficiency. Last evaluated: 2025-12-29. Review status: criteria provided, single submitter. Criteria: Invitae Variant Classification Sherloc (09022015). Collection method: clinical testing. Allele origin: germline.

Illumina Laboratory Services, Illumina
Classification: Uncertain significance for Venous thrombosis. Last evaluated: 2018-01-12. Review status: criteria provided, single submitter. Criteria: ICSL Variant Classification Criteria 13 December 2019. Collection method: clinical testing. Allele origin: germline.

Illumina Laboratory Services, Illumina
Classification: Uncertain significance for Congenital factor V deficiency. Last evaluated: 2018-01-12. Review status: criteria provided, single submitter. Criteria: ICSL Variant Classification Criteria 13 December 2019. Collection method: clinical testing. Allele origin: germline.

Illumina Laboratory Services, Illumina
Classification: Uncertain significance for Budd-Chiari syndrome. Last evaluated: 2018-01-12. Review status: criteria provided, single submitter. Criteria: ICSL Variant Classification Criteria 13 December 2019. Collection method: clinical testing. Allele origin: germline.

PreventionGenetics, part of Exact Sciences
Classification: Uncertain significance for F5-related condition. Last evaluated: 2024-04-16. Review status: no assertion criteria provided. Collection method: clinical testing. Allele origin: germline. Not counted in ClinVar's aggregate classification.
Comment: The F5 c.628C>A variant is predicted to result in the amino acid substitution p.Gln210Lys. To our knowledge, this variant has not been reported in the literature. This variant is reported in 0.11% of alleles in individuals of East Asian descent in gnomAD. Although we suspect that this variant may be benign, at this time, the clinical significance of this variant is uncertain due to the absence of conclusive functional and genetic evidence.

NM_000130.5(F5):c.628C>A (p.Gln210Lys)

Gene: F5 (coagulation factor V; minus strand). Cytogenetic location: 1q24.2.
Variant type: single nucleotide variant.
Coding change: c.628C>A on transcript NM_000130.5 (MANE Select); coding-DNA position 628, C replaced by A.
Protein change: p.Gln210Lys; replaces glutamine 210 with lysine.
Molecular consequence: missense variant.
Genome position (GRCh38, 1-based): chr1:169,559,255, G>T on the plus strand (C>A on the coding strand, the complement: F5 is on the minus strand). VCF-style: chr1-169559255-G-T. GRCh37 (hg19) VCF-style: chr1-169528493-G-T.
Other names: short protein forms Q210K.
Identifiers: ClinVar variation 875606 (VCV000875606.13), dbSNP rs144937515, ClinGen allele CA1234548.
Genomic context (GRCh38, chr1:169,559,255, plus strand): 5'-GGGATGATGACTGGCTCCAGCTCTTGCTTTCATCAAACACAGCAAATAGTAGCACGATTT[G>T]CTTGTCAAACGTCTTCTGTGTCCCACCCTCAGTTAGGGTCCCTATGAAAGGAAAGACATG-3'
Protein context (NP_000121.2, residues 200-220): EGGTQKTFDK[Gln210Lys]IVLLFAVFDE